The following is an entry in ClinVar:

NM_001040142.2(SCN2A):c.270G>A (p.Thr90=)

Gene: SCN2A (sodium voltage-gated channel alpha subunit 2; plus strand). Cytogenetic location: 2q24.3.
Variant type: single nucleotide variant.
Coding change: c.270G>A on transcript NM_001040142.2 (MANE Select); coding-DNA position 270, G replaced by A.
Protein change: p.Thr90=; no amino-acid change (threonine 90 retained).
Molecular consequence: synonymous variant.
Genome position (GRCh38, 1-based): chr2:165,297,019, G>A. VCF-style: chr2-165297019-G-A. GRCh37 (hg19) VCF-style: chr2-166153529-G-A.
Other names: c.270G>A, p.Thr90= (NM_001040143.2, NM_001371246.1, NM_001371247.1 and 1 more transcripts).
Identifiers: ClinVar variation 390533 (VCV000390533.11), dbSNP rs776081713, ClinGen allele CA1939581.
Genomic context (GRCh38, chr2:165,297,019, plus strand): 5'-AAAATATTCTTAATATATATTCTAAGTTTTATTTTATGTGTTGTGTTTTCTTTTTCAGAC[G>A]TTTATAGTATTGAATAAAGGGAAAGCAATCTCTCGATTCAGTGCCACCCCTGCCCTTTAC-3'
Protein context (NP_001035232.1, residues 80-100): DLDPYYINKK[Thr90=]FIVLNKGKAI

ClinVar aggregate classification (germline): Likely benign. Review status: criteria provided, multiple submitters, no conflicts (2 of 4 stars). 3 submissions from 3 submitters: Likely benign (3). Last evaluated 2025-10-17.

Conditions:
Developmental and epileptic encephalopathy, 11 (DEE11). Also called: Early infantile epileptic encephalopathy 11. Identifiers: Orphanet 1934, MedGen C3150987, MONDO:0013388, OMIM 613721.
Seizures, benign familial infantile, 3 (BFIS3). Also called: CONVULSIONS, BENIGN FAMILIAL INFANTILE, 3; Familial neonatal seizures. Identifiers: Orphanet 140927, Orphanet 306, MedGen C1843140, MONDO:0011904, OMIM 607745.

Allele frequency attached by ClinVar (database versions not stated): gnomAD 0.00002; gnomAD exomes 0.00002; ExAC 0.00004.
gnomAD v4.1: 26 of 1,557,536 alleles (0.0017%); highest among the groups gnomAD compares: Middle Eastern, 0.017%; no homozygotes.

Submissions (3):

Labcorp Genetics (formerly Invitae), Labcorp
Classification: Likely benign for Seizures, benign familial infantile, 3; Developmental and epileptic encephalopathy, 11. Last evaluated: 2025-10-17. Review status: criteria provided, single submitter. Criteria: Invitae Variant Classification Sherloc (09022015). Collection method: clinical testing. Allele origin: germline.

Blueprint Genetics
Classification: Likely benign. Last evaluated: 2024-09-21. Review status: criteria provided, single submitter. Criteria: ACMG Guidelines, 2015. Collection method: clinical testing. Allele origin: germline.

GeneDx
Classification: Likely benign. Last evaluated: 2016-10-28. Review status: criteria provided, single submitter. Criteria: GeneDx Variant Classification (06012015). Collection method: clinical testing. Allele origin: germline. Affected: yes.
Comment: This variant is considered likely benign or benign based on one or more of the following criteria: it is a conservative change, it occurs at a poorly conserved position in the protein, it is predicted to be benign by multiple in silico algorithms, and/or has population frequency not consistent with disease.